The following is an entry in ClinVar:

NM_032340.3(UQCC2):c.-344T>C

Gene: UQCC2 (ubiquinol-cytochrome c reductase complex assembly factor 2; minus strand). Cytogenetic location: 6p21.31.
Variant type: single nucleotide variant.
Coding change: c.-344T>C on transcript NM_032340.3; 344 bases upstream of the start codon, T replaced by C.
Genome position (GRCh38, 1-based): chr6:33,712,030, A>G on the plus strand (T>C on the coding strand, the complement: UQCC2 is on the minus strand). VCF-style: chr6-33712030-A-G. GRCh37 (hg19) VCF-style: chr6-33679807-A-G.
Identifiers: ClinVar variation 671160 (VCV000671160.3), dbSNP rs3818532, ClinGen allele CA12232549.

ClinVar aggregate classification (germline): Benign (1 of 4 stars; one submission).

Allele frequency attached by ClinVar (database versions not stated): 1000 Genomes Project 30x 0.06839; TOPMed 0.12874; gnomAD 0.13332 and 0.13097; 1000 Genomes Project 0.07169.

Submission:

GeneDx
Classification: Benign. Last evaluated: 2018-06-14. Review status: criteria provided, single submitter. Criteria: GeneDx Variant Classification (06012015). Collection method: clinical testing. Allele origin: germline. Affected: yes.
Comment: This variant is considered likely benign or benign based on one or more of the following criteria: it is a conservative change, it occurs at a poorly conserved position in the protein, it is predicted to be benign by multiple in silico algorithms, and/or has population frequency not consistent with disease.